The following is an entry in ClinVar:

ClinVar aggregate classification (germline): Likely pathogenic (1 of 4 stars; one submission).

Conditions:
Autosomal recessive limb-girdle muscular dystrophy type 2J (LGMDR10). Also called: Limb-girdle muscular dystrophy, type 2J; MUSCULAR DYSTROPHY, LIMB-GIRDLE, AUTOSOMAL RECESSIVE 10. Identifiers: Orphanet 140922, MedGen C1837342, MONDO:0012127, OMIM 608807.
Dilated cardiomyopathy 1G (CMD1G). Identifiers: Orphanet 154, MedGen C1858763, MONDO:0011400, OMIM 604145.

Submission:

Labcorp Genetics (formerly Invitae), Labcorp
Classification: Likely pathogenic for Dilated cardiomyopathy 1G; Autosomal recessive limb-girdle muscular dystrophy type 2J. Last evaluated: 2025-08-31. Review status: criteria provided, single submitter. Criteria: Invitae Variant Classification Sherloc (09022015). Collection method: clinical testing. Allele origin: germline.
Comment: This sequence change creates a premature translational stop signal (p.Val27763Phefs*9) in the TTN gene. While this is not anticipated to result in nonsense mediated decay, it is expected to create a truncated TTN protein. This variant is not present in population databases (gnomAD no frequency). This variant has not been reported in the literature in individuals affected with TTN-related conditions. This variant is located in the A band of TTN (PMID: 25589632). Truncating variants in this region are significantly overrepresented in patients affected with dilated cardiomyopathy (PMID: 25589632). Truncating variants in this region have also been reported in individuals affected with autosomal recessive centronuclear myopathy (PMID: 23975875). In summary, the currently available evidence indicates that the variant is pathogenic, but additional data are needed to prove that conclusively. Therefore, this variant has been classified as Likely Pathogenic.

Literature cited by the submitters: PubMed 25589632; PubMed 23975875.

NM_001267550.2(TTN):c.83287del (p.Val27763fs)

Genes: TTN (titin; minus strand), TTN-AS1 (TTN antisense RNA 1; plus strand). Cytogenetic location: 2q31.2.
Variant type: Deletion.
Coding change: c.83287del on transcript NM_001267550.2 (MANE Select); coding-DNA position 83287, one base deleted (G; older notation c.83287delG).
Protein change: p.Val27763fs; shifts the reading frame from valine 27763.
Molecular consequence: frameshift variant.
Genome position (GRCh38, 1-based): chr2:178,562,845, C deleted on the plus strand (G on the coding strand, the reverse complement: TTN is on the minus strand). VCF-style (leftmost placement, unchanged base first): chr2-178562844-AC-A. GRCh37 (hg19) VCF-style: chr2-179427571-AC-A.
Other names: c.78364del, p.Val26122fs (NM_001256850.1); c.56092del, p.Val18698fs (NM_003319.4); c.75583del, p.Val25195fs (NM_133378.4); c.56467del, p.Val18823fs (NM_133432.3); c.56668del, p.Val18890fs (NM_133437.4); short protein forms V18890fs, V18698fs, V27763fs, V25195fs, V18823fs, V26122fs.
Identifiers: ClinVar variation 4785475 (VCV004785475.1).
Genomic context (GRCh38, chr2:178,562,844, plus strand): 5'-ACTGAGTCTTTCTTCACTTCTCTTATGGTCAAATTCACAGGGGCACTTGGTGAGTCAAGA[AC>A]TCTGACGTTAACAAAAGCTGTTTTGGAGCCACTATTATTTTCTAATGTCAGATTATACCG-3'